The following is an entry in ClinVar:

NM_000548.5(TSC2):c.5051C>G (p.Ser1684Cys)

Gene: TSC2 (TSC complex subunit 2; plus strand). Cytogenetic location: 16p13.3.
Variant type: single nucleotide variant.
Coding change: c.5051C>G on transcript NM_000548.5 (MANE Select); coding-DNA position 5051, C replaced by G.
Protein change: p.Ser1684Cys; replaces serine 1684 with cysteine.
Molecular consequence: missense variant. On other transcripts: non-coding transcript variant (5).
Genome position (GRCh38, 1-based): chr16:2,087,924, C>G. VCF-style: chr16-2087924-C-G. GRCh37 (hg19) VCF-style: chr16-2137925-C-G.
Other names: c.4319C>G, p.Ser1440Cys (NM_001318831.2); c.4883C>G, p.Ser1628Cys (NM_001318832.2); c.4853C>G, p.Ser1618Cys (NM_001363528.2); c.4919C>G, p.Ser1640Cys (NM_001370404.1); c.4922C>G, p.Ser1641Cys (NM_001370405.1, NM_021055.3); c.5048C>G, p.Ser1683Cys (NM_001406663.1); c.4979C>G, p.Ser1660Cys (NM_001406664.1); c.4973C>G, p.Ser1658Cys (NM_001406665.1); and 26 more; short protein forms S1083C, S1169C, S1417C, S1440C, S1460C, S1464C, S1568C, S1598C.
Identifiers: ClinVar variation 4763917 (VCV004763917.2).

ClinVar aggregate classification (germline): Uncertain significance. Review status: criteria provided, multiple submitters, no conflicts (2 of 4 stars). 2 submissions from 2 submitters: Uncertain significance (2). Last evaluated 2025-12-29.

Conditions:
Tuberous sclerosis 2 (TSC2). Identifiers: Orphanet 805, MedGen C1860707, MONDO:0013199, OMIM 613254.
Hereditary cancer-predisposing syndrome. Also called: Neoplastic Syndromes, Hereditary; Hereditary neoplastic syndrome; Tumor predisposition; Hereditary Cancer Syndrome. Identifiers: Orphanet 140162, MedGen C0027672, MeSH D009386, MONDO:0015356.

Submissions (2):

Ambry Genetics
Classification: Uncertain significance for Hereditary cancer-predisposing syndrome. Last evaluated: 2025-12-29. Review status: criteria provided, single submitter. Criteria: Ambry Variant Classification Scheme 2023. Collection method: clinical testing. Allele origin: germline.
Comment: The p.S1684C variant (also known as c.5051C>G), located in coding exon 38 of the TSC2 gene, results from a C to G substitution at nucleotide position 5051. The serine at codon 1684 is replaced by cysteine, an amino acid with dissimilar properties. This amino acid position is conserved. In addition, this alteration is predicted to be deleterious by in silico analysis. Based on the available evidence, the clinical significance of this variant remains unclear.

Labcorp Genetics (formerly Invitae), Labcorp
Classification: Uncertain significance for Tuberous sclerosis 2. Last evaluated: 2025-09-07. Review status: criteria provided, single submitter. Criteria: Invitae Variant Classification Sherloc (09022015). Collection method: clinical testing. Allele origin: germline.
Comment: This sequence change replaces serine, which is neutral and polar, with cysteine, which is neutral and slightly polar, at codon 1684 of the TSC2 protein (p.Ser1684Cys). This variant is not present in population databases (gnomAD no frequency). This variant has not been reported in the literature in individuals affected with TSC2-related conditions. Invitae Evidence Modeling of protein sequence and biophysical properties (such as structural, functional, and spatial information, amino acid conservation, physicochemical variation, residue mobility, and thermodynamic stability) indicates that this missense variant is not expected to disrupt TSC2 protein function with a negative predictive value of 95%. In summary, the available evidence is currently insufficient to determine the role of this variant in disease. Therefore, it has been classified as a Variant of Uncertain Significance.